The following is an entry in ClinVar:

NM_005428.4(VAV1):c.721G>A (p.Glu241Lys)

Gene: VAV1 (vav guanine nucleotide exchange factor 1; plus strand). Cytogenetic location: 19p13.3.
Variant type: single nucleotide variant.
Coding change: c.721G>A on transcript NM_005428.4 (MANE Select); coding-DNA position 721, G replaced by A.
Protein change: p.Glu241Lys; replaces glutamic acid 241 with lysine.
Molecular consequence: missense variant.
Genome position (GRCh38, 1-based): chr19:6,825,119, G>A. VCF-style: chr19-6825119-G-A. GRCh37 (hg19) VCF-style: chr19-6825130-G-A.
Other names: c.625G>A, p.Glu209Lys (NM_001258207.2); c.721G>A, p.Glu241Lys (NM_001258206.2); short protein forms E209K, E241K.
Identifiers: ClinVar variation 3615827 (VCV003615827.2).
Genomic context (GRCh38, chr19:6,825,119, plus strand): 5'-TTGAAGCCCCTGCAACGGTTCCTGAAACCTCAAGACATTGAGATCATCTTTATCAACATT[G>A]AGGTGAGCCGGCCGATCCCCAGCCCTCTTGGGTCTGTCTAGTGCGGATAACCTGCTGCCC-3'
Protein context (NP_005419.2, residues 231-251): QDIEIIFINI[Glu241Lys]DLLRVHTHFL

ClinVar aggregate classification (germline): Uncertain significance (1 of 4 stars; one submission).

Submission:

Labcorp Genetics (formerly Invitae), Labcorp
Classification: Uncertain significance. Last evaluated: 2025-02-01. Review status: criteria provided, single submitter. Criteria: Invitae Variant Classification Sherloc (09022015). Collection method: clinical testing. Allele origin: germline.
Comment: This sequence change replaces glutamic acid, which is acidic and polar, with lysine, which is basic and polar, at codon 241 of the VAV1 protein (p.Glu241Lys). This variant is present in population databases (rs750236444, gnomAD 0.01%). This variant has not been reported in the literature in individuals affected with VAV1-related conditions. An algorithm developed to predict the effect of missense changes on protein structure and function (PolyPhen-2) suggests that this variant is likely to be tolerated. In summary, the available evidence is currently insufficient to determine the role of this variant in disease. Therefore, it has been classified as a Variant of Uncertain Significance.